The following is an entry in ClinVar:

NM_001184880.2(PCDH19):c.3352A>G (p.Ser1118Gly)

Gene: PCDH19 (protocadherin 19; minus strand). Cytogenetic location: Xq22.1.
Variant type: single nucleotide variant.
Coding change: c.3352A>G on transcript NM_001184880.2 (MANE Select); coding-DNA position 3352, A replaced by G.
Protein change: p.Ser1118Gly; replaces serine 1118 with glycine.
Molecular consequence: missense variant.
Genome position (GRCh38, 1-based): chrX:100,296,372, T>C on the plus strand (A>G on the coding strand, the complement: PCDH19 is on the minus strand). VCF-style: chrX-100296372-T-C. GRCh37 (hg19) VCF-style: chrX-99551370-T-C.
Other names: c.3211A>G, p.Ser1071Gly (NM_001105243.2); c.3208A>G, p.Ser1070Gly (NM_020766.3); short protein forms S1118G, S1071G, S1070G.
Identifiers: ClinVar variation 378327 (VCV000378327.4), dbSNP rs1057520343, ClinGen allele CA16608210.

ClinVar aggregate classification (germline): Uncertain significance. Review status: criteria provided, multiple submitters, no conflicts (2 of 4 stars). 2 submissions from 2 submitters: Uncertain significance (2). Last evaluated 2022-11-01.

Conditions:
Developmental and epileptic encephalopathy, 9 (DEE9). Also called: Early infantile epileptic encephalopathy 9; EPILEPSY, FEMALE-RESTRICTED, WITH MENTAL RETARDATION; PCDH19-Related X-Linked Female-Limited Epilepsy with Mental Retardation; JUBERG-HELLMAN SYNDROME. Identifiers: Orphanet 101039, Orphanet 2076, MedGen C1848137, MONDO:0010246, OMIM 300088. Disease mechanism: loss of function.

Allele frequency attached by ClinVar (database versions not stated): gnomAD exomes below 0.00001 and 0.00001; TOPMed 0.00001.
gnomAD v4.1: 3 of 1,211,619 alleles (0.00025%); highest among the groups gnomAD compares: East Asian, 0.0089%; no homozygotes.

Submissions (2):

Labcorp Genetics (formerly Invitae), Labcorp
Classification: Uncertain significance for Developmental and epileptic encephalopathy, 9. Last evaluated: 2022-11-01. Review status: criteria provided, single submitter. Criteria: Invitae Variant Classification Sherloc (09022015). Collection method: clinical testing. Allele origin: germline.
Comment: This sequence change replaces serine, which is neutral and polar, with glycine, which is neutral and non-polar, at codon 1118 of the PCDH19 protein (p.Ser1118Gly). This variant is present in population databases (no rsID available, gnomAD 0.007%). This variant has not been reported in the literature in individuals affected with PCDH19-related conditions. ClinVar contains an entry for this variant (Variation ID: 378327). Advanced modeling of protein sequence and biophysical properties (such as structural, functional, and spatial information, amino acid conservation, physicochemical variation, residue mobility, and thermodynamic stability) performed at Invitae indicates that this missense variant is not expected to disrupt PCDH19 protein function. In summary, the available evidence is currently insufficient to determine the role of this variant in disease. Therefore, it has been classified as a Variant of Uncertain Significance.

GeneDx
Classification: Uncertain significance. Last evaluated: 2016-12-21. Review status: criteria provided, single submitter. Criteria: GeneDx Variant Classification (06012015). Collection method: clinical testing. Allele origin: germline. Affected: yes.
Comment: The S1118G variant in the PCDH19 gene has not been reported previously as a pathogenic variant,nor as a benign variant, to our knowledge. The S1118G variant was not observed in approximately6200 individuals of European and African American ancestry in the NHLBI Exome SequencingProject, indicating it is not a common benign variant in these populations. The S1118G variant is anon-conservative amino acid substitution, which is likely to impact secondary protein structure asthese residues differ in polarity, charge, size and/or other properties. However, this substitution occursat a position that is not conserved. In silico analysis is inconsistent in its predictions as to whether ornot the variant is damaging to the protein structure/function. We interpret S1118G as a variant ofuncertain significance.